The following is an entry in ClinVar:

ClinVar aggregate classification (germline): Pathogenic/Likely pathogenic. Review status: criteria provided, multiple submitters, no conflicts (2 of 4 stars). 4 submissions from 4 submitters: Pathogenic (2); Likely pathogenic (1). 1 of the submissions does not count toward it. Last evaluated 2026-01-21.

Conditions:
PRPF8-related disorder. Also called: PRPF8-related condition.
Retinitis pigmentosa 13 (RP13). Also called: PRPF 8-Related Retinitis Pigmentosa. Identifiers: Orphanet 791, MedGen C1838702, MONDO:0010806, OMIM 600059.

Submissions (4):

Labcorp Genetics (formerly Invitae), Labcorp
Classification: Pathogenic. Last evaluated: 2026-01-21. Review status: criteria provided, single submitter. Criteria: Invitae Variant Classification Sherloc (09022015). Collection method: clinical testing. Allele origin: germline.
Comment: This sequence change replaces phenylalanine, which is neutral and non-polar, with leucine, which is neutral and non-polar, at codon 2304 of the PRPF8 protein (p.Phe2304Leu). This variant is not present in population databases (gnomAD no frequency). This missense change has been observed in individuals with retinitis pigmentosa (PMID: 11468273, 16799052, 24938718, 28076437). This variant is also known as c.6953C>G. ClinVar contains an entry for this variant (Variation ID: 3359). Invitae Evidence Modeling of protein sequence and biophysical properties (such as structural, functional, and spatial information, amino acid conservation, physicochemical variation, residue mobility, and thermodynamic stability) indicates that this missense variant is expected to disrupt PRPF8 protein function with a positive predictive value of 80%. This variant disrupts the p.Phe2304 amino acid residue in PRPF8. Other variant(s) that disrupt this residue have been determined to be pathogenic (PMID: 33576794; internal data). This suggests that this residue is clinically significant, and that variants that disrupt this residue are likely to be disease-causing. For these reasons, this variant has been classified as Pathogenic.

Blueprint Genetics
Classification: Pathogenic for PRPF8-related disorders. Last evaluated: 2022-06-08. Review status: criteria provided, single submitter. Criteria: ACMG Guidelines, 2015. Collection method: clinical testing. Allele origin: germline. Affected: yes. Observed: 2 variant alleles.

Institute of Medical Genetics and Applied Genomics, University Hospital Tübingen
Classification: Likely pathogenic. Last evaluated: 2020-10-23. Review status: criteria provided, single submitter. Criteria: ACMG Guidelines, 2015. Collection method: clinical testing. Allele origin: germline. Inheritance: Autosomal dominant inheritance. Affected: yes.

OMIM
Classification: Pathogenic for RETINITIS PIGMENTOSA 13. Last evaluated: 2001-07-15. Review status: no assertion criteria provided. Collection method: literature only. Allele origin: germline. Not counted in ClinVar's aggregate classification.

Literature cited by the submitters: PubMed 11468273 (cited by Labcorp Genetics (formerly Invitae), Labcorp and OMIM); PubMed 16799052 (cited by Labcorp Genetics (formerly Invitae), Labcorp); PubMed 24938718 (cited by Labcorp Genetics (formerly Invitae), Labcorp); PubMed 28076437 (cited by Labcorp Genetics (formerly Invitae), Labcorp); PubMed 33576794 (cited by Labcorp Genetics (formerly Invitae), Labcorp).

NM_006445.4(PRPF8):c.6912C>G (p.Phe2304Leu)

Gene: PRPF8 (pre-mRNA processing factor 8; minus strand). Cytogenetic location: 17p13.3.
Variant type: single nucleotide variant.
Coding change: c.6912C>G on transcript NM_006445.4 (MANE Select); coding-DNA position 6912, C replaced by G.
Protein change: p.Phe2304Leu; replaces phenylalanine 2304 with leucine.
Molecular consequence: missense variant.
Genome position (GRCh38, 1-based): chr17:1,650,898, G>C on the plus strand (C>G on the coding strand, the complement: PRPF8 is on the minus strand). VCF-style: chr17-1650898-G-C. GRCh37 (hg19) VCF-style: chr17-1554192-G-C.
Other names: short protein forms F2304L.
Identifiers: ClinVar variation 3359 (VCV000003359.10), dbSNP rs121434240, ClinGen allele CA252744.